The following is an entry in ClinVar:

ClinVar aggregate classification (germline): Uncertain significance. Review status: criteria provided, multiple submitters, no conflicts (2 of 4 stars). 2 submissions from 2 submitters: Uncertain significance (2). Last evaluated 2025-09-14.

Conditions:
Cardiovascular phenotype. Identifiers: MedGen CN230736.

Submissions (2):

Labcorp Genetics (formerly Invitae), Labcorp
Classification: Uncertain significance. Last evaluated: 2025-09-14. Review status: criteria provided, single submitter. Criteria: Invitae Variant Classification Sherloc (09022015). Collection method: clinical testing. Allele origin: germline.
Comment: This sequence change replaces glycine, which is neutral and non-polar, with serine, which is neutral and polar, at codon 1664 of the ALPK3 protein (p.Gly1664Ser). This variant is present in population databases (rs768268907, gnomAD 0.003%). This variant has not been reported in the literature in individuals affected with ALPK3-related conditions. Invitae Evidence Modeling of protein sequence and biophysical properties (such as structural, functional, and spatial information, amino acid conservation, physicochemical variation, residue mobility, and thermodynamic stability) indicates that this missense variant is expected to disrupt ALPK3 protein function with a positive predictive value of 80%. In summary, the available evidence is currently insufficient to determine the role of this variant in disease. Therefore, it has been classified as a Variant of Uncertain Significance.

Ambry Genetics
Classification: Uncertain significance for Cardiovascular phenotype. Last evaluated: 2025-07-22. Review status: criteria provided, single submitter. Criteria: Ambry Variant Classification Scheme 2023. Collection method: clinical testing. Allele origin: germline.
Comment: The p.G1664S variant (also known as c.4990G>A), located in coding exon 10 of the ALPK3 gene, results from a G to A substitution at nucleotide position 4990. The glycine at codon 1664 is replaced by serine, an amino acid with similar properties. This amino acid position is conserved. In addition, this alteration is predicted to be tolerated by in silico analysis. Based on the available evidence, the clinical significance of this variant remains unclear.

NM_020778.5(ALPK3):c.4384G>A (p.Gly1462Ser)

Gene: ALPK3 (alpha kinase 3; plus strand). Cytogenetic location: 15q25.3.
Variant type: single nucleotide variant.
Coding change: c.4384G>A on transcript NM_020778.5 (MANE Select); coding-DNA position 4384, G replaced by A.
Protein change: p.Gly1462Ser; replaces glycine 1462 with serine.
Molecular consequence: missense variant.
Genome position (GRCh38, 1-based): chr15:84,862,889, G>A. VCF-style: chr15-84862889-G-A. GRCh37 (hg19) VCF-style: chr15-85406120-G-A.
Other names: short protein forms G1462S.
Identifiers: ClinVar variation 4088966 (VCV004088966.2).